The following is an entry in ClinVar:

ClinVar aggregate classification (germline): Uncertain significance (1 of 4 stars; one submission).

Submission:

GeneDx
Classification: Uncertain significance. Last evaluated: 2026-03-26. Review status: criteria provided, single submitter. Criteria: GeneDx Variant Classification Process June 2021. Collection method: clinical testing. Allele origin: germline.
Comment: Not observed at significant frequency in large population cohorts (gnomAD); In silico analysis supports that this missense variant has a deleterious effect on protein structure/function; Has not been previously published as pathogenic or benign to our knowledge

NM_012309.5(SHANK2):c.1109T>C (p.Val370Ala)

Gene: SHANK2 (SH3 and multiple ankyrin repeat domains 2; minus strand). Cytogenetic location: 11q13.4.
Variant type: single nucleotide variant.
Coding change: c.1109T>C on transcript NM_012309.5 (MANE Select); coding-DNA position 1109, T replaced by C.
Protein change: p.Val370Ala; replaces valine 370 with alanine.
Molecular consequence: missense variant.
Genome position (GRCh38, 1-based): chr11:70,896,566, A>G on the plus strand (T>C on the coding strand, the complement: SHANK2 is on the minus strand). VCF-style: chr11-70896566-A-G. GRCh37 (hg19) VCF-style: chr11-70742671-A-G.
Other names: c.1109T>C, p.Val370Ala (NM_001441024.1, NM_001441025.1, NM_001441026.1 and 12 more transcripts); c.1037T>C, p.Val346Ala (NM_001441038.1); short protein forms V346A, V370A.
Identifiers: ClinVar variation 5017628 (VCV005017628.1).
Genomic context (GRCh38, chr11:70,896,566, plus strand): 5'-TCTGTTTCCTTGTGGTTCTTGATGTATTCTGCCAGCTCAAAGTTGCCTGCTATTATGGCC[A>G]CCTGCAAAGTGAAAATCACATTAAGTTAAGTGTCACCTGCAGAACAATGATTTCTGCATA-3'
Protein context (NP_036441.2, residues 360-380): KNYNSQTPFQ[Val370Ala]AIIAGNFELA